The following is an entry in ClinVar:

ClinVar aggregate classification (germline): Uncertain significance (1 of 4 stars; one submission).

Conditions:
Marden-Walker syndrome (MWKS). Also called: Connective tissue disorder Marden Walker type. Identifiers: Orphanet 2461, MedGen C0796033, MONDO:0009564, OMIM 248700.

gnomAD v4.1: 37 of 1,537,122 alleles (0.0024%); highest among the groups gnomAD compares: East Asian, 0.0049%; no homozygotes.

Submission:

OLLIN Analises Genomicas, OLLIN
Classification: Uncertain significance for Marden-Walker syndrome. Last evaluated: 2026-08-06. Review status: criteria provided, single submitter. Criteria: ACMG Guidelines 2015 PMID 25741868. Collection method: clinical testing. Allele origin: germline. Inheritance: Autosomal dominant inheritance.
Comment: This missense variant, located in exon 41 (of 56), has been observed in gnomAD with an allele frequency of 0.0024%, but has not been reported in ClinVar or identified in the literature. In silico analysis is inconclusive regarding the impact of this variant. This gene is constrained for missense variation. According to the currently available evidence, this variant has been classified as uncertain significance (PM2_P, PP2).

NM_001378183.1(PIEZO2):c.5923C>T (p.Arg1975Cys)

Gene: PIEZO2 (piezo type mechanosensitive ion channel component 2; minus strand). Cytogenetic location: 18p11.22.
Variant type: single nucleotide variant.
Coding change: c.5923C>T on transcript NM_001378183.1 (MANE Select); coding-DNA position 5923, C replaced by T.
Protein change: p.Arg1975Cys; replaces arginine 1975 with cysteine.
Molecular consequence: missense variant.
Genome position (GRCh38, 1-based): chr18:10,705,412, G>A on the plus strand (C>T on the coding strand, the complement: PIEZO2 is on the minus strand). VCF-style: chr18-10705412-G-A. GRCh37 (hg19) VCF-style: chr18-10705410-G-A.
Other names: c.5659C>T, p.Arg1887Cys (NM_001410871.1); c.5584C>T, p.Arg1862Cys (NM_022068.4); short protein forms R1862C, R1975C, R1887C.
Identifiers: ClinVar variation 5002775 (VCV005002775.1).